The following is an entry in ClinVar:

NM_015192.4(PLCB1):c.862+1G>A

Gene: PLCB1 (phospholipase C beta 1; plus strand). Cytogenetic location: 20p12.3.
Variant type: single nucleotide variant.
Coding change: c.862+1G>A on transcript NM_015192.4 (MANE Select); the canonical splice donor site of the intron after coding-DNA position 862, G replaced by A.
Molecular consequence: splice donor variant.
Genome position (GRCh38, 1-based): chr20:8,658,705, G>A. VCF-style: chr20-8658705-G-A. GRCh37 (hg19) VCF-style: chr20-8639352-G-A.
Other names: c.862+1G>A (NM_182734.3).
Identifiers: ClinVar variation 2798897 (VCV002798897.3), dbSNP rs2515182138, ClinGen allele CA408264417.

ClinVar aggregate classification (germline): Likely pathogenic (1 of 4 stars; one submission).

Conditions:
Developmental and epileptic encephalopathy, 12 (DEE12). Identifiers: MedGen C3150988, MONDO:0013389, OMIM 613722.

Submission:

Labcorp Genetics (formerly Invitae), Labcorp
Classification: Likely pathogenic for Developmental and epileptic encephalopathy, 12. Last evaluated: 2024-01-10. Review status: criteria provided, single submitter. Criteria: Invitae Variant Classification Sherloc (09022015). Collection method: clinical testing. Allele origin: germline.
Comment: This sequence change affects a donor splice site in intron 9 of the PLCB1 gene. It is expected to disrupt RNA splicing. Variants that disrupt the donor or acceptor splice site typically lead to a loss of protein function (PMID: 16199547), and loss-of-function variants in PLCB1 are known to be pathogenic (PMID: 24684524). This variant is not present in population databases (gnomAD no frequency). This variant has not been reported in the literature in individuals affected with PLCB1-related conditions. Algorithms developed to predict the effect of sequence changes on RNA splicing suggest that this variant may disrupt the consensus splice site. In summary, the currently available evidence indicates that the variant is pathogenic, but additional data are needed to prove that conclusively. Therefore, this variant has been classified as Likely Pathogenic.

Literature cited by the submitters: PubMed 16199547; PubMed 24684524.